The following is an entry in ClinVar:

ClinVar aggregate classification (germline): Conflicting classifications of pathogenicity. Review status: criteria provided, conflicting classifications (1 of 4 stars). 3 submissions from 3 submitters: Uncertain significance (2); Likely benign (1). Last evaluated 2025-12-23.

Conditions:
Inborn genetic diseases. Identifiers: MedGen C0950123, MeSH D030342.
Glomerulopathy with fibronectin deposits 2 (GFND2). Identifiers: Orphanet 84090, MedGen C1866075, MONDO:0011165, OMIM 601894.
Spondylometaphyseal dysplasia - Sutcliffe type. Also called: Sutcliffe type of spondylometaphyseal dysplasia; Sutcliffe SMD; Spondylometaphyseal dysplasia, 'corner fracture' type; Spondylometaphyseal Dysplasia, Corner Fracture Type. Identifiers: Orphanet 93315, MedGen C0432221, MONDO:0008479, OMIM 184255.

gnomAD v4.1: 10 of 1,613,794 alleles (0.00062%); highest among the groups gnomAD compares: African/African-American, 0.013%; no homozygotes.

Submissions (3):

Labcorp Genetics (formerly Invitae), Labcorp
Classification: Uncertain significance. Last evaluated: 2025-12-23. Review status: criteria provided, single submitter. Criteria: Invitae Variant Classification Sherloc (09022015). Collection method: clinical testing. Allele origin: germline.
Comment: This sequence change replaces arginine, which is basic and polar, with threonine, which is neutral and polar, at codon 1016 of the FN1 protein (p.Arg1016Thr). This variant is present in population databases (rs771981108, gnomAD 0.007%). This variant has not been reported in the literature in individuals affected with FN1-related conditions. ClinVar contains an entry for this variant (Variation ID: 3516300). An algorithm developed to predict the effect of missense changes on protein structure and function outputs the following: PolyPhen-2: "Benign". The threonine amino acid residue is found in multiple mammalian species, which suggests that this missense change does not adversely affect protein function. In summary, the available evidence is currently insufficient to determine the role of this variant in disease. Therefore, it has been classified as a Variant of Uncertain Significance.

Ambry Genetics
Classification: Likely benign for Inborn genetic diseases. Last evaluated: 2024-08-12. Review status: criteria provided, single submitter. Criteria: Ambry Variant Classification Scheme 2023. Collection method: clinical testing. Allele origin: germline.

Fulgent Genetics
Classification: Uncertain significance for Spondylometaphyseal dysplasia - Sutcliffe type; Glomerulopathy with fibronectin deposits 2. Last evaluated: 2023-12-24. Review status: criteria provided, single submitter. Criteria: ACMG Guidelines, 2015. Collection method: clinical testing. Allele origin: germline.

NM_212482.4(FN1):c.3047G>C (p.Arg1016Thr)

Gene: FN1 (fibronectin 1; minus strand). Cytogenetic location: 2q35.
Variant type: single nucleotide variant.
Coding change: c.3047G>C on transcript NM_212482.4 (MANE Select); coding-DNA position 3047, G replaced by C.
Protein change: p.Arg1016Thr; replaces arginine 1016 with threonine.
Molecular consequence: missense variant.
Genome position (GRCh38, 1-based): chr2:215,404,595, C>G on the plus strand (G>C on the coding strand, the complement: FN1 is on the minus strand). VCF-style: chr2-215404595-C-G. GRCh37 (hg19) VCF-style: chr2-216269318-C-G.
Other names: c.3047G>C, p.Arg1016Thr (NM_001306129.2, NM_001306130.2, NM_001306131.2 and 13 more transcripts); short protein forms R1016T.
Identifiers: ClinVar variation 3516300 (VCV003516300.3).